The following is an entry in ClinVar:

ClinVar aggregate classification (germline): Conflicting classifications of pathogenicity. Review status: criteria provided, conflicting classifications (1 of 4 stars). 3 submissions from 3 submitters: Likely pathogenic (1); Uncertain significance (2). Last evaluated 2024-08-07.

Conditions:
Ovarian cancer. Also called: OVARIAN CANCER, SOMATIC. Identifiers: Orphanet 213500, MedGen C1140680, MONDO:0008170, OMIM 167000.
Hereditary cancer-predisposing syndrome. Also called: Neoplastic Syndromes, Hereditary; Tumor predisposition; Hereditary Cancer Syndrome; Hereditary neoplastic syndrome. Identifiers: Orphanet 140162, MedGen C0027672, MeSH D009386, MONDO:0015356.

Submissions (3):

GeneDx
Classification: Uncertain significance. Last evaluated: 2024-08-07. Review status: criteria provided, single submitter. Criteria: GeneDx Variant Classification Process June 2021. Collection method: clinical testing. Allele origin: germline. Affected: yes.
Comment: Not observed at significant frequency in large population cohorts (gnomAD); In silico analysis supports that this missense variant has a deleterious effect on protein structure/function; Has not been previously published as pathogenic or benign to our knowledge; This variant is associated with the following publications: (PMID: 14704354)

Laboratory of Molecular Epidemiology of Birth Defects, West China Second University Hospital, Sichuan University
Classification: Likely pathogenic for Ovarian cancer. Last evaluated: 2022-01-01. Review status: criteria provided, single submitter. Criteria: ACMG Guidelines, 2015. Collection method: clinical testing. Allele origin: germline. Affected: yes.

Ambry Genetics
Classification: Uncertain significance for Hereditary cancer-predisposing syndrome. Last evaluated: 2020-10-27. Review status: criteria provided, single submitter. Criteria: Ambry Variant Classification Scheme 2023. Collection method: clinical testing. Allele origin: germline.
Comment: The p.E303K variant (also known as c.907G>A), located in coding exon 7 of the RAD51C gene, results from a G to A substitution at nucleotide position 907. The glutamic acid at codon 303 is replaced by lysine, an amino acid with similar properties. This amino acid position is highly conserved in available vertebrate species. In addition, the in silico prediction for this alteration is inconclusive. Since supporting evidence is limited at this time, the clinical significance of this alteration remains unclear.

NM_058216.3(RAD51C):c.907G>A (p.Glu303Lys)

Gene: RAD51C (RAD51 paralog C; plus strand). Cytogenetic location: 17q22.
Variant type: single nucleotide variant.
Coding change: c.907G>A on transcript NM_058216.3 (MANE Select); coding-DNA position 907, G replaced by A.
Protein change: p.Glu303Lys; replaces glutamic acid 303 with lysine.
Molecular consequence: missense variant. On other transcripts: non-coding transcript variant (1).
Genome position (GRCh38, 1-based): chr17:58,724,042, G>A. VCF-style: chr17-58724042-G-A. GRCh37 (hg19) VCF-style: chr17-56801403-G-A.
Other names: c.907G>A (NM_058216.2); c.*335G>A (NM_058217.1); short protein forms E303K.
Identifiers: ClinVar variation 1765703 (VCV001765703.5), dbSNP rs2143961266, ClinGen allele CA400361280.